The following is an entry in ClinVar:

NM_032380.5(GFM2):c.459_460delinsAT (p.Arg154Trp)

Gene: GFM2 (GTP dependent ribosome recycling factor mitochondrial 2; minus strand). Cytogenetic location: 5q13.3.
Variant type: Indel.
Coding change: c.459_460delinsAT on transcript NM_032380.5 (MANE Select); coding-DNA positions 459 to 460, GC replaced by AT.
Protein change: p.Arg154Trp; replaces arginine 154 with tryptophan.
Molecular consequence: missense variant. On other transcripts: non-coding transcript variant (1).
Genome position (GRCh38, 1-based): chr5:74,750,638-74,750,639, GC replaced by AT on the plus strand (GC replaced by AT on the coding strand, the reverse complement: GFM2 is on the minus strand). VCF-style: chr5-74750638-GC-AT. GRCh37 (hg19) VCF-style: chr5-74046463-GC-AT.
Other names: c.555_556delinsAT, p.Arg186Trp (NM_001281302.2); c.459_460delinsAT, p.Arg154Trp (NM_170681.3, NM_170691.3); short protein forms R186W, R154W.
Identifiers: ClinVar variation 1924176 (VCV001924176.5), dbSNP rs2478958243, ClinGen allele CA2580073406.

ClinVar aggregate classification (germline): Uncertain significance (1 of 4 stars; one submission).

Submission:

Labcorp Genetics (formerly Invitae), Labcorp
Classification: Uncertain significance. Last evaluated: 2025-11-17. Review status: criteria provided, single submitter. Criteria: Invitae Variant Classification Sherloc (09022015). Collection method: clinical testing. Allele origin: germline.
Comment: This sequence change replaces arginine, which is basic and polar, with tryptophan, which is neutral and slightly polar, at codon 154 of the GFM2 protein (p.Arg154Trp). Information on the frequency of this variant in the gnomAD database is not available, as this variant may be reported differently in the database. This variant has not been reported in the literature in individuals affected with GFM2-related conditions. ClinVar contains an entry for this variant (Variation ID: 1924176). Experimental studies and prediction algorithms are not available or were not evaluated, and the functional significance of this variant is currently unknown. In summary, the available evidence is currently insufficient to determine the role of this variant in disease. Therefore, it has been classified as a Variant of Uncertain Significance.